The following is an entry in ClinVar:

ClinVar aggregate classification (germline): Conflicting classifications of pathogenicity. Review status: criteria provided, conflicting classifications (1 of 4 stars). 3 submissions from 3 submitters: Uncertain significance (2); Likely benign (1). Last evaluated 2025-11-12.

Conditions:
Hyperimmunoglobulin D with periodic fever (HIDS). Also called: HYPERIMMUNOGLOBULINEMIA D AND PERIODIC FEVER SYNDROME; Hyperimmunoglobulinemia D; Hyperimmunoglobulinemia D with periodic fever. Identifiers: Orphanet 343, MedGen C0398691, MONDO:0009849, OMIM 260920.
Mevalonic aciduria (MEVA). Identifiers: Orphanet 29, MedGen C1959626, MONDO:0012481, OMIM 610377.
Porokeratosis 3, disseminated superficial actinic type (POROK3). Also called: POROKERATOSIS 3, MULTIPLE TYPES; POROKERATOSIS 3, MIBELLI TYPE; POROKERATOSIS, DISSEMINATED SUPERFICIAL ACTINIC, 1. Identifiers: MedGen C1867981, MONDO:0008293, OMIM 175900.
Inborn genetic diseases. Identifiers: MedGen C0950123, MeSH D030342.

Allele frequency attached by ClinVar (database versions not stated): gnomAD 0.00001; TOPMed 0.00003; gnomAD exomes 0.00005 and 0.00011; ExAC 0.00007.
gnomAD v4.1: 33 of 1,614,072 alleles (0.002%); highest among the groups gnomAD compares: Admixed American, 0.055%; no homozygotes.

Submissions (3):

Labcorp Genetics (formerly Invitae), Labcorp
Classification: Likely benign for Mevalonic aciduria; Hyperimmunoglobulin D with periodic fever; Porokeratosis 3, disseminated superficial actinic type. Last evaluated: 2025-11-12. Review status: criteria provided, single submitter. Criteria: Invitae Variant Classification Sherloc (09022015). Collection method: clinical testing. Allele origin: germline.

ARUP Laboratories, Molecular Genetics and Genomics, ARUP Laboratories
Classification: Uncertain significance. Last evaluated: 2023-03-28. Review status: criteria provided, single submitter. Criteria: ARUP Molecular Germline Variant Investigation Process 2024. Collection method: clinical testing. Allele origin: germline.
Comment: The MVK c.512G>A; p.Gly171Glu variant (rs753599820), to our knowledge, is not reported in the medical literature but is reported in ClinVar (Variation ID: 1021956). This variant is observed in the general population with an overall allele frequency of 0.01% (28/251330 alleles) in the Genome Aggregation Database. Computational analyses are uncertain whether this variant is neutral or deleterious (REVEL: 0.394). Due to limited information, the clinical significance of this variant is uncertain at this time.

Ambry Genetics
Classification: Uncertain significance for Inborn genetic diseases. Last evaluated: 2022-09-14. Review status: criteria provided, single submitter. Criteria: Ambry Variant Classification Scheme 2023. Collection method: clinical testing. Allele origin: germline.

NM_000431.4(MVK):c.512G>A (p.Gly171Glu)

Gene: MVK (mevalonate kinase; plus strand). Cytogenetic location: 12q24.11.
Variant type: single nucleotide variant.
Coding change: c.512G>A on transcript NM_000431.4 (MANE Select); coding-DNA position 512, G replaced by A.
Protein change: p.Gly171Glu; replaces glycine 171 with glutamic acid.
Molecular consequence: missense variant. On other transcripts: intron variant (1).
Genome position (GRCh38, 1-based): chr12:109,581,535, G>A. VCF-style: chr12-109581535-G-A. GRCh37 (hg19) VCF-style: chr12-110019340-G-A.
Other names: c.512G>A, p.Gly171Glu (NM_001114185.3); c.371+1589G>A (NM_001301182.2); c.512G>A (NM_000431.2); short protein forms G171E.
Identifiers: ClinVar variation 1021956 (VCV001021956.10), dbSNP rs753599820, ClinGen allele CA6779272.